The following is an entry in ClinVar:

NM_001286577.2(C2CD3):c.3209A>C (p.Asp1070Ala)

Gene: C2CD3 (C2 domain containing 3 centriole elongation regulator; minus strand). Cytogenetic location: 11q13.4.
Variant type: single nucleotide variant.
Coding change: c.3209A>C on transcript NM_001286577.2 (MANE Select); coding-DNA position 3209, A replaced by C.
Protein change: p.Asp1070Ala; replaces aspartic acid 1070 with alanine.
Molecular consequence: missense variant.
Genome position (GRCh38, 1-based): chr11:74,093,951, T>G on the plus strand (A>C on the coding strand, the complement: C2CD3 is on the minus strand). VCF-style: chr11-74093951-T-G. GRCh37 (hg19) VCF-style: chr11-73804996-T-G.
Other names: c.3209A>C, p.Asp1070Ala (NM_015531.6); short protein forms D1070A.
Identifiers: ClinVar variation 3657415 (VCV003657415.2).

ClinVar aggregate classification (germline): Uncertain significance (1 of 4 stars; one submission).

gnomAD v4.1: 3 of 1,613,960 alleles (0.00019%); highest among the groups gnomAD compares: African/African-American, 0.004%; no homozygotes.

Submission:

Labcorp Genetics (formerly Invitae), Labcorp
Classification: Uncertain significance. Last evaluated: 2024-06-22. Review status: criteria provided, single submitter. Criteria: Invitae Variant Classification Sherloc (09022015). Collection method: clinical testing. Allele origin: germline.
Comment: This sequence change replaces aspartic acid, which is acidic and polar, with alanine, which is neutral and non-polar, at codon 1070 of the C2CD3 protein (p.Asp1070Ala). This variant is present in population databases (no rsID available, gnomAD 0.02%). This variant has not been reported in the literature in individuals affected with C2CD3-related conditions. Advanced modeling of protein sequence and biophysical properties (such as structural, functional, and spatial information, amino acid conservation, physicochemical variation, residue mobility, and thermodynamic stability) performed at Invitae indicates that this missense variant is expected to disrupt C2CD3 protein function with a positive predictive value of 80%. In summary, the available evidence is currently insufficient to determine the role of this variant in disease. Therefore, it has been classified as a Variant of Uncertain Significance.